The following is an entry in ClinVar:

NM_001330078.2(NRXN1):c.3365-109977G>A

Gene: NRXN1 (neurexin 1; minus strand). Cytogenetic location: 2p16.3.
Variant type: single nucleotide variant.
Coding change: c.3365-109977G>A on transcript NM_001330078.2 (MANE Select); 109977 bases into the intron before coding-DNA position 3365, G replaced by A.
Molecular consequence: intron variant. On other transcripts: missense variant (4), initiator codon variant (4).
Genome position (GRCh38, 1-based): chr2:50,346,947, C>T on the plus strand (G>A on the coding strand, the complement: NRXN1 is on the minus strand). VCF-style: chr2-50346947-C-T. GRCh37 (hg19) VCF-style: chr2-50574085-C-T.
Other names: c.3G>A, p.Met1Ile (NM_001330091.2, NM_001330092.2, NM_001330097.2 and 1 more transcripts); c.3254-109977G>A (NM_001330096.2, NM_001330087.2); c.3299-109977G>A (NM_001330083.2, NM_001330084.2); c.3284-109977G>A (NM_001330088.2); c.3362-109977G>A (NM_001330093.2); c.3353-109977G>A (NM_001330094.2); c.3314-109977G>A (NM_001330095.2); c.3341-109977G>A (NM_001330082.2, NM_001330077.2); and 3 more; short protein forms M1I.
Identifiers: ClinVar variation 372725 (VCV000372725.2), dbSNP rs1057517946, ClinGen allele CA16042427.

ClinVar aggregate classification (germline): Uncertain significance (1 of 4 stars; one submission).

Allele frequency attached by ClinVar (database versions not stated): gnomAD 0.00001; TOPMed 0.00002.
gnomAD v4.1: 2 of 1,370,104 alleles (0.00015%); highest among the groups gnomAD compares: African/African-American, 0.0031%; no homozygotes.

Submission:

GeneDx
Classification: Uncertain significance. Last evaluated: 2016-11-22. Review status: criteria provided, single submitter. Criteria: GeneDx Variant Classification (06012015). Collection method: clinical testing. Allele origin: germline. Affected: yes.
Comment: Three of the proband's five sisters also inherited the c.3 G>A variant, one was diagnosed with anorexia nervosa while the other two did not present with any psychiatric conditions (Camacho-Garcia et al., 2013). Sufficient data from control individuals in the NHLBI Exome Sequencing Project and Exome Aggregation Consortium data sets were not available to assess whether the c.3 G>A variant may be a common benign variant in the general population; however, this variant has not been detected previously in the internal database at GeneDx. As the c.3 G>A variant changes the translation initiator Methionine codon, the resultant protein is described as p.Met1?, using a question mark to signify that it is not known if the loss of Met1 means that all protein translation is completely prevented or if an abnormal protein is produced using an alternate Methionine. Function studies observed expression of neurexin-1vb, suggesting that translation was not abolished, but rather lead to a reduction of synaptic levels of neurexin-1vb. However, the effect of reduced synaptic levels was not investigated further (Camacho-Garcia et al., 2013). Therefore, we interpret c.3 G>A as a variant of uncertain significance.